The following is an entry in ClinVar:

ClinVar aggregate classification (germline): Uncertain significance. Review status: criteria provided, multiple submitters, no conflicts (2 of 4 stars). 2 submissions from 2 submitters: Uncertain significance (2). Last evaluated 2024-09-16.

Allele frequency attached by ClinVar (database versions not stated): ExAC 0.00001; gnomAD exomes 0.00001; TOPMed 0.00003; gnomAD 0.00004.
gnomAD v4.1: 11 of 1,614,122 alleles (0.00068%); highest among the groups gnomAD compares: African/African-American, 0.011%; no homozygotes.

Submissions (2):

Labcorp Genetics (formerly Invitae), Labcorp
Classification: Uncertain significance. Last evaluated: 2024-09-16. Review status: criteria provided, single submitter. Criteria: Invitae Variant Classification Sherloc (09022015). Collection method: clinical testing. Allele origin: germline.
Comment: This sequence change replaces threonine, which is neutral and polar, with isoleucine, which is neutral and non-polar, at codon 291 of the SCN3A protein (p.Thr291Ile). This variant is present in population databases (rs757676103, gnomAD 0.02%). This variant has not been reported in the literature in individuals affected with SCN3A-related conditions. ClinVar contains an entry for this variant (Variation ID: 805387). Invitae Evidence Modeling of protein sequence and biophysical properties (such as structural, functional, and spatial information, amino acid conservation, physicochemical variation, residue mobility, and thermodynamic stability) indicates that this missense variant is not expected to disrupt SCN3A protein function with a negative predictive value of 95%. In summary, the available evidence is currently insufficient to determine the role of this variant in disease. Therefore, it has been classified as a Variant of Uncertain Significance.

Athena Diagnostics
Classification: Uncertain significance. Last evaluated: 2019-02-01. Review status: criteria provided, single submitter. Criteria: Athena Diagnostics Criteria. Collection method: clinical testing. Allele origin: germline.

NM_006922.4(SCN3A):c.872C>T (p.Thr291Ile)

Gene: SCN3A (sodium voltage-gated channel alpha subunit 3; minus strand). Cytogenetic location: 2q24.3.
Variant type: single nucleotide variant.
Coding change: c.872C>T on transcript NM_006922.4 (MANE Select); coding-DNA position 872, C replaced by T.
Protein change: p.Thr291Ile; replaces threonine 291 with isoleucine.
Molecular consequence: missense variant.
Genome position (GRCh38, 1-based): chr2:165,162,651, G>A on the plus strand (C>T on the coding strand, the complement: SCN3A is on the minus strand). VCF-style: chr2-165162651-G-A. GRCh37 (hg19) VCF-style: chr2-166019161-G-A.
Other names: c.872C>T, p.Thr291Ile (NM_001081676.2, NM_001081677.2); short protein forms T291I.
Identifiers: ClinVar variation 805387 (VCV000805387.8), dbSNP rs757676103, ClinGen allele CA1939316.